The following is an entry in ClinVar:

NM_014423.4(AFF4):c.661del (p.Asp221fs)

Gene: AFF4 (ALF transcription elongation factor 4; minus strand). Cytogenetic location: 5q31.1.
Variant type: Deletion.
Coding change: c.661del on transcript NM_014423.4 (MANE Select); coding-DNA position 661, one base deleted (G; older notation c.661delG).
Protein change: p.Asp221fs; shifts the reading frame from aspartic acid 221.
Molecular consequence: frameshift variant.
Genome position (GRCh38, 1-based): chr5:132,934,404, C deleted on the plus strand (G on the coding strand, the reverse complement: AFF4 is on the minus strand); the first of 3 consecutive C bases (chr5:132,934,404-132,934,406); deleting any one gives the same sequence. VCF-style (leftmost placement, unchanged base first): chr5-132934403-TC-T. GRCh37 (hg19) VCF-style: chr5-132270095-TC-T.
Other names: short protein forms D221fs.
Identifiers: ClinVar variation 2442729 (VCV002442729.2), dbSNP rs2532575405, ClinGen allele CA2580072718.

ClinVar aggregate classification (germline): Uncertain significance (1 of 4 stars; one submission).

Submission:

GeneDx
Classification: Uncertain significance. Last evaluated: 2023-05-23. Review status: criteria provided, single submitter. Criteria: GeneDx Variant Classification Process June 2021. Collection method: clinical testing. Allele origin: germline. Affected: yes.
Comment: Frameshift variant predicted to result in protein truncation or nonsense mediated decay in a gene or region of a gene for which loss of function is not a well-established mechanism of disease; Not observed at significant frequency in large population cohorts (gnomAD); Has not been previously published as pathogenic or benign to our knowledge